The following is an entry in ClinVar:

ClinVar aggregate classification (germline): Likely benign. Review status: criteria provided, multiple submitters, no conflicts (2 of 4 stars). 5 submissions from 5 submitters: Likely benign (5). Last evaluated 2025-12-15.

Conditions:
Dilated cardiomyopathy 1J (CMD1J). Also called: CARDIOMYOPATHY, DILATED, WITH SENSORINEURAL HEARING LOSS, AUTOSOMAL DOMINANT. Identifiers: Orphanet 217622, MedGen C1854368, MONDO:0011541, OMIM 605362.
Cardiovascular phenotype. Identifiers: MedGen CN230736.

Allele frequency attached by ClinVar (database versions not stated): TOPMed 0.00003; ExAC 0.00004; gnomAD 0.00005; gnomAD exomes 0.00005; 1000 Genomes Project 30x 0.00031; 1000 Genomes Project 0.00040.
gnomAD v4.1: 74 of 1,597,662 alleles (0.0046%); highest among the groups gnomAD compares: Middle Eastern, 0.22%; 1 homozygote.

Submissions (5):

Labcorp Genetics (formerly Invitae), Labcorp
Classification: Likely benign for Dilated cardiomyopathy 1J. Last evaluated: 2025-12-15. Review status: criteria provided, single submitter. Criteria: Invitae Variant Classification Sherloc (09022015). Collection method: clinical testing. Allele origin: germline.

Blueprint Genetics
Classification: Likely benign. Last evaluated: 2024-10-10. Review status: criteria provided, single submitter. Criteria: ACMG Guidelines, 2015. Collection method: clinical testing. Allele origin: germline.

GeneDx
Classification: Likely benign. Last evaluated: 2023-07-09. Review status: criteria provided, single submitter. Criteria: GeneDx Variant Classification Process June 2021. Collection method: clinical testing. Allele origin: germline. Affected: yes.
Comment: See Variant Classification Assertion Criteria.

Ambry Genetics
Classification: Likely benign for Cardiovascular phenotype. Last evaluated: 2022-04-25. Review status: criteria provided, single submitter. Criteria: Ambry Variant Classification Scheme 2023. Collection method: clinical testing. Allele origin: germline.

Breakthrough Genomics
Classification: Likely benign. Review status: criteria provided, single submitter. Criteria: ACMG Guidelines, 2015. Collection method: not provided. Allele origin: germline. Inheritance: Autosomal dominant inheritance. Affected: yes.

NM_004100.5(EYA4):c.278-4G>A

Genes: EYA4-AS2 (EYA4 antisense RNA 2; minus strand), EYA4 (EYA transcriptional coactivator and phosphatase 4; plus strand). Cytogenetic location: 6q23.2.
Variant type: single nucleotide variant.
Coding change: c.278-4G>A on transcript NM_004100.5 (MANE Select); 4 bases into the intron before coding-DNA position 278, G replaced by A.
Molecular consequence: intron variant.
Genome position (GRCh38, 1-based): chr6:133,456,552, G>A. VCF-style: chr6-133456552-G-A. GRCh37 (hg19) VCF-style: chr6-133777690-G-A.
Other names: c.278-4G>A (NM_001301013.2, NM_172105.4); c.209-4G>A (NM_001370458.1, NM_172103.4); c.209-4562G>A (NM_001370459.1, NM_001301012.2).
Identifiers: ClinVar variation 695362 (VCV000695362.17), dbSNP rs201806127, ClinGen allele CA4008006.
Genomic context (GRCh38, chr6:133,456,552, plus strand): 5'-AACGGACAGAGTCTTTGACATAAATTTAGAAGTAAAACTCACATGTACTTATTCTTCTAC[G>A]TAGTGTCTCTTCTTGCAGTCAAAACAGAGCCCTTGAACAGCAGTGAAACCACAGCCACGA-3'